The following is an entry in ClinVar:

ClinVar aggregate classification (germline): Uncertain significance (1 of 4 stars; one submission).

gnomAD v4.1: 1 of 1,612,306 alleles (0.000062%); highest among the groups gnomAD compares: Non-Finnish European, 0.000085%; no homozygotes.

Submission:

GeneDx
Classification: Uncertain significance. Last evaluated: 2024-04-03. Review status: criteria provided, single submitter. Criteria: GeneDx Variant Classification Process June 2021. Collection method: clinical testing. Allele origin: germline. Affected: yes.
Comment: Not observed at significant frequency in large population cohorts (gnomAD); In silico analysis supports that this missense variant has a deleterious effect on protein structure/function; Has not been previously published as pathogenic or benign to our knowledge

NM_005862.3(STAG1):c.3466T>C (p.Trp1156Arg)

Gene: STAG1 (STAG1 cohesin complex component; minus strand). Cytogenetic location: 3q22.3.
Variant type: single nucleotide variant.
Coding change: c.3466T>C on transcript NM_005862.3 (MANE Select); coding-DNA position 3466, T replaced by C.
Protein change: p.Trp1156Arg; replaces tryptophan 1156 with arginine.
Molecular consequence: missense variant.
Genome position (GRCh38, 1-based): chr3:136,341,532, A>G on the plus strand (T>C on the coding strand, the complement: STAG1 is on the minus strand). VCF-style: chr3-136341532-A-G. GRCh37 (hg19) VCF-style: chr3-136060374-A-G.
Other names: short protein forms W1156R.
Identifiers: ClinVar variation 3372037 (VCV003372037.1).
Genomic context (GRCh38, chr3:136,341,532, plus strand): 5'-TGTAGTTCATTCCTGTTCTGTCCTTCCGATTTAAGTCTTCTAACTTCGGCTGGCCTAACC[A>G]AGAGATCTGCATCTGAGGACTAAGAGAGGGTACTATTATTAATTTTGTAGCAGCAGATGA-3'
Protein context (NP_005853.2, residues 1146-1166): FLHNPQMQIS[Trp1156Arg]LGQPKLEDLN